The following is an entry in ClinVar:

ClinVar aggregate classification (germline): Pathogenic. Review status: criteria provided, multiple submitters, no conflicts (2 of 4 stars). 3 submissions from 3 submitters: Pathogenic (2). 1 of the submissions does not count toward it. Last evaluated 2025-09-04.

Conditions:
Ullrich congenital muscular dystrophy 1C (UCMD1C). Identifiers: MedGen C5935583, MONDO:0958236, OMIM 620728.
Bethlem myopathy 1A. Also called: Bethlem Muscular Dystrophy; Bethlem myopathy 1; MYOPATHY, BENIGN CONGENITAL, WITH CONTRACTURES. Identifiers: Orphanet 610, MedGen CN029274, MONDO:0024530, OMIM 158810.

Allele frequency attached by ClinVar (database versions not stated): TOPMed below 0.00001.
gnomAD v4.1: 4 of 1,613,080 alleles (0.00025%); highest among the groups gnomAD compares: Non-Finnish European, 0.00034%; no homozygotes.

Submissions (3):

Labcorp Genetics (formerly Invitae), Labcorp
Classification: Pathogenic for Bethlem myopathy 1A. Last evaluated: 2025-09-04. Review status: criteria provided, single submitter. Criteria: Invitae Variant Classification Sherloc (09022015). Collection method: clinical testing. Allele origin: germline.
Comment: This sequence change creates a premature translational stop signal (p.Arg465*) in the COL6A3 gene. It is expected to result in an absent or disrupted protein product. Loss-of-function variants in COL6A3 are known to be pathogenic (PMID: 26004199). This variant is not present in population databases (gnomAD no frequency). This premature translational stop signal has been observed in individual(s) with COL6A3-related conditions (PMID: 11992252). ClinVar contains an entry for this variant (Variation ID: 17151). For these reasons, this variant has been classified as Pathogenic.

Mendelics
Classification: Pathogenic for Bethlem myopathy 1A. Last evaluated: 2022-05-04. Review status: criteria provided, single submitter. Criteria: Mendelics Assertion Criteria 2019. Collection method: clinical testing. Allele origin: germline.

OMIM
Classification: Pathogenic for ULLRICH CONGENITAL MUSCULAR DYSTROPHY 1C, AUTOSOMAL RECESSIVE. Last evaluated: 2002-06-01. Review status: no assertion criteria provided. Collection method: literature only. Allele origin: germline. Not counted in ClinVar's aggregate classification.

Literature cited by the submitters: PubMed 26004199 (cited by Labcorp Genetics (formerly Invitae), Labcorp); PubMed 11992252 (cited by Labcorp Genetics (formerly Invitae), Labcorp and OMIM).

NM_004369.4(COL6A3):c.1393C>T (p.Arg465Ter)

Gene: COL6A3 (collagen type VI alpha 3 chain; minus strand). Cytogenetic location: 2q37.3.
Variant type: single nucleotide variant.
Coding change: c.1393C>T on transcript NM_004369.4 (MANE Select); coding-DNA position 1393, C replaced by T.
Protein change: p.Arg465Ter; replaces arginine 465 with a stop codon.
Molecular consequence: nonsense.
Genome position (GRCh38, 1-based): chr2:237,381,419, G>A on the plus strand (C>T on the coding strand, the complement: COL6A3 is on the minus strand). VCF-style: chr2-237381419-G-A. GRCh37 (hg19) VCF-style: chr2-238290062-G-A.
Other names: c.172C>T, p.Arg58Ter (NM_057164.5, NM_057166.5); c.775C>T, p.Arg259Ter (NM_057165.5, NM_057167.4); short protein forms R465*, R259*, R58*.
Identifiers: ClinVar variation 17151 (VCV000017151.7), dbSNP rs121434554, ClinGen allele CA257715.